The following is an entry in ClinVar:

ClinVar aggregate classification (germline): Pathogenic. Review status: criteria provided, multiple submitters, no conflicts (2 of 4 stars). 3 submissions from 3 submitters: Pathogenic (3). Last evaluated 2025-08-22.

Conditions:
Hypogonadotropic hypogonadism 7 with or without anosmia (HH7). Also called: GNRHR-Related GnRH Deficiency; HYPOGONADOTROPIC HYPOGONADISM 7 WITHOUT ANOSMIA. Identifiers: Orphanet 432, MedGen C0342384, MONDO:0007794, OMIM 146110.
GNRHR-related disorders.

Submissions (3):

First Genomix Gene Laboratory, Genetic Diagnostics Department
Classification: Pathogenic for Hypogonadotropic hypogonadism 7 with or without anosmia. Last evaluated: 2025-08-22. Review status: criteria provided, single submitter. Criteria: ACMG Guidelines, 2015. Collection method: clinical testing. Allele origin: germline. Inheritance: Autosomal recessive inheritance. Affected: no. Observed: 1 variant allele.

Blueprint Genetics
Classification: Pathogenic for GNRHR-related disorders. Last evaluated: 2024-11-18. Review status: criteria provided, single submitter. Criteria: ACMG Guidelines, 2015. Collection method: clinical testing. Allele origin: germline. Affected: yes. Observed: 3 variant alleles.

Juno Genomics, Hangzhou Juno Genomics, Inc
Classification: Pathogenic for Hypogonadotropic hypogonadism 7 with or without anosmia. Review status: criteria provided, single submitter. Criteria: ACMG Guidelines, 2015. Collection method: clinical testing. Allele origin: germline.
Comment: Absent from controls (or at extremely low frequency if recessive) in Genome Aggregation Database.;Null variant in a gene where loss of function (LOF) is a known mechanism of disease.;For recessive disorders, detected in trans with a pathogenic variant.

NM_000406.3(GNRHR):c.112C>T (p.Arg38Ter)

Gene: GNRHR (gonadotropin releasing hormone receptor; minus strand). Cytogenetic location: 4q13.2.
Variant type: single nucleotide variant.
Coding change: c.112C>T on transcript NM_000406.3 (MANE Select); coding-DNA position 112, C replaced by T.
Protein change: p.Arg38Ter; replaces arginine 38 with a stop codon.
Molecular consequence: nonsense.
Genome position (GRCh38, 1-based): chr4:67,754,224, G>A on the plus strand (C>T on the coding strand, the complement: GNRHR is on the minus strand). VCF-style: chr4-67754224-G-A. GRCh37 (hg19) VCF-style: chr4-68619942-G-A.
Other names: c.112C>T, p.Arg38Ter (NM_001012763.2); short protein forms R38*.
Identifiers: ClinVar variation 4850479 (VCV004850479.4).